The following is an entry in ClinVar:

NM_001378615.1(CC2D2A):c.2624C>T (p.Ser875Leu)

Genes: FBXL5 (F-box and leucine rich repeat protein 5; minus strand), CC2D2A (coiled-coil and C2 domain containing 2A; plus strand). Cytogenetic location: 4p15.32.
Variant type: single nucleotide variant.
Coding change: c.2624C>T on transcript NM_001378615.1 (MANE Select); coding-DNA position 2624, C replaced by T.
Protein change: p.Ser875Leu; replaces serine 875 with leucine.
Molecular consequence: missense variant.
Genome position (GRCh38, 1-based): chr4:15,555,209, C>T. VCF-style: chr4-15555209-C-T. GRCh37 (hg19) VCF-style: chr4-15556832-C-T.
Other names: c.2624C>T, p.Ser875Leu (NM_001080522.2); c.2477C>T, p.Ser826Leu (NM_001378617.1); short protein forms S875L, S826L.
Identifiers: ClinVar variation 429980 (VCV000429980.19), dbSNP rs200904521, ClinGen allele CA2863967.
Genomic context (GRCh38, chr4:15,555,209, plus strand): 5'-CAGCAGAGTCCAAGCTCGACCCAAATGACCCCAACAATGCCCCTTTGATGCAGCTTATCT[C>T]GGTATGTAGCAGGAGGCACACATGCCATTTCTTGACTTGGCCTTTTACACAATTTTCCTT-3'
Protein context (NP_001365544.1, residues 865-885): PNNAPLMQLI[Ser875Leu]VATSGESYVP

ClinVar aggregate classification (germline): Uncertain significance. Review status: criteria provided, multiple submitters, no conflicts (2 of 4 stars). 8 submissions from 6 submitters: Uncertain significance (8). Last evaluated 2026-06-09.

Conditions:
Meckel syndrome, type 6. Identifiers: Orphanet 564, MedGen C2676790, MONDO:0012848, OMIM 612284.
Joubert syndrome 9 (JBTS9). Identifiers: Orphanet 2318, MedGen C2676788, MONDO:0012849, OMIM 612285.
COACH syndrome 2. Identifiers: MedGen C5436837, MONDO:0030859, OMIM 619111.
Retinitis pigmentosa 93. Identifiers: MedGen C5676970, MONDO:0030797, OMIM 619845.
CC2D2A-related disorder. Also called: CC2D2A-related condition; CC2D2A-related disorders. Identifiers: MedGen CN239313.
Meckel-Gruber syndrome. Also called: Dysencephalia splachnocystica; DYSENCEPHALIA SPLANCHNOCYSTICA; GRUBER SYNDROME. Identifiers: Orphanet 564, MedGen C0265215, MONDO:0018921.
Joubert syndrome. Also called: Familial aplasia of the vermis; JOUBERT-BOLTSHAUSER SYNDROME. Identifiers: Orphanet 475, MedGen C5979921, MONDO:0018772.
COACH syndrome 1. Identifiers: Orphanet 1454, MedGen C5435651, MONDO:0800103, OMIM 216360, MONDO:0008996.

Allele frequency attached by ClinVar (database versions not stated): TOPMed 0.00005; ExAC 0.00008; gnomAD exomes 0.00008; gnomAD 0.00009; 1000 Genomes Project 30x 0.00016; 1000 Genomes Project 0.00040.
gnomAD v4.1: 135 of 1,612,656 alleles (0.0084%); highest among the groups gnomAD compares: Non-Finnish European, 0.011%; no homozygotes.

Submissions (8):

PreventionGenetics, part of Exact Sciences
Classification: Uncertain significance for CC2D2A-related condition. Last evaluated: 2026-06-09. Review status: criteria provided, single submitter. Criteria: ACMG Guidelines, 2015. Collection method: clinical testing. Allele origin: germline.
Comment: The CC2D2A c.2624C>T variant is predicted to result in the amino acid substitution p.Ser875Leu. To our knowledge, this variant has not been reported in the literature in association with disease. This variant is reported in 0.015% of alleles in individuals of European (Non-Finnish) descent in gnomAD. At this time, the clinical significance of this variant is uncertain due to the absence of conclusive functional and genetic evidence.

Fulgent Genetics
Classification: Uncertain significance for Meckel syndrome, type 6; Joubert syndrome 9; COACH syndrome 2; Retinitis pigmentosa 93. Last evaluated: 2024-05-01. Review status: criteria provided, single submitter. Criteria: ACMG Guidelines, 2015. Collection method: clinical testing. Allele origin: germline.

Labcorp Genetics (formerly Invitae), Labcorp
Classification: Uncertain significance for Joubert syndrome; Meckel-Gruber syndrome. Last evaluated: 2022-10-24. Review status: criteria provided, single submitter. Criteria: Invitae Variant Classification Sherloc (09022015). Collection method: clinical testing. Allele origin: germline.
Comment: This sequence change replaces serine, which is neutral and polar, with leucine, which is neutral and non-polar, at codon 875 of the CC2D2A protein (p.Ser875Leu). This variant is present in population databases (rs200904521, gnomAD 0.01%). This variant has not been reported in the literature in individuals affected with CC2D2A-related conditions. ClinVar contains an entry for this variant (Variation ID: 429980). Algorithms developed to predict the effect of missense changes on protein structure and function output the following: SIFT: "Tolerated"; PolyPhen-2: "Benign"; Align-GVGD: "Class C0". The leucine amino acid residue is found in multiple mammalian species, which suggests that this missense change does not adversely affect protein function. In summary, the available evidence is currently insufficient to determine the role of this variant in disease. Therefore, it has been classified as a Variant of Uncertain Significance.

Fulgent Genetics
Classification: Uncertain significance for COACH syndrome 1; Meckel syndrome, type 6; Joubert syndrome 9. Last evaluated: 2018-10-31. Review status: criteria provided, single submitter. Criteria: ACMG Guidelines, 2015. Collection method: clinical testing. Allele origin: unknown.

Eurofins Ntd Llc (ga)
Classification: Uncertain significance. Last evaluated: 2018-04-09. Review status: criteria provided, single submitter. Criteria: EGL ClinVar v180209 classification definitions. Collection method: clinical testing. Allele origin: germline. Observed: 1 variant allele, 1 heterozygote.

Illumina Laboratory Services, Illumina
Classification: Uncertain significance for Meckel syndrome, type 6. Last evaluated: 2018-01-13. Review status: criteria provided, single submitter. Criteria: ICSL Variant Classification Criteria 13 December 2019. Collection method: clinical testing. Allele origin: germline.

Illumina Laboratory Services, Illumina
Classification: Uncertain significance for Joubert syndrome 9. Last evaluated: 2018-01-13. Review status: criteria provided, single submitter. Criteria: ICSL Variant Classification Criteria 13 December 2019. Collection method: clinical testing. Allele origin: germline.

GeneDx
Classification: Uncertain significance. Last evaluated: 2017-05-12. Review status: criteria provided, single submitter. Criteria: GeneDx Variant Classification (06012015). Collection method: clinical testing. Allele origin: germline. Affected: yes.
Comment: The S875L variant in the CC2D2A gene has not been reported previously as a pathogenic variant, nor as a benign variant, to our knowledge. The S875L variant is observed in 1/6614 (0.015%) alleles from individuals of European (Finnish) background and in 6/66420 (0.009%) alleles from individuals of European (non-Finnish) background in the ExAC dataset, with no individuals reported to be homozygous (Lek et al., 2016). The S875L variant is a non-conservative amino acid substitution, which is likely to impact secondary protein structure as these residues differ in polarity, charge, size and/or other properties. This substitution occurs at a position that is not conserved. In silico analysis is inconsistent in its predictions as to whether or not the variant is damaging to the protein structure/function. We interpret S875L as a variant of uncertain significance.